The following is an entry in ClinVar:

NM_020407.5(RHBG):c.1140C>T (p.Ala380=)

Gene: RHBG (Rh family B glycoprotein; plus strand). Cytogenetic location: 1q22.
Variant type: single nucleotide variant.
Coding change: c.1140C>T on transcript NM_020407.5 (MANE Select); coding-DNA position 1140, C replaced by T.
Protein change: p.Ala380=; no amino-acid change (alanine 380 retained).
Molecular consequence: synonymous variant. On other transcripts: non-coding transcript variant (4).
Genome position (GRCh38, 1-based): chr1:156,382,775, C>T. VCF-style: chr1-156382775-C-T. GRCh37 (hg19) VCF-style: chr1-156352566-C-T.
Other names: c.933C>T, p.Ala311= (NM_001256395.2); c.1050C>T, p.Ala350= (NM_001256396.2).
Identifiers: ClinVar variation 4534323 (VCV004534323.6).
Genomic context (GRCh38, chr1:156,382,775, plus strand): 5'-CCCCTGCCTTTCCTCTATCTGGTCTCCCTGCAGCCTGGAGAGTGTGTTTCCACTCATAGC[C>T]GAGGGCCAGCGCAGTGCCACGTCACAGGCCATGCACCAGCTCTTCGGGCTGTTTGTCACA-3'
Protein context (NP_065140.3, residues 370-390): DGLESVFPLI[Ala380=]EGQRSATSQA

ClinVar aggregate classification (germline): Likely benign (1 of 4 stars; one submission).

gnomAD v4.1: 10 of 1,614,048 alleles (0.00062%); highest among the groups gnomAD compares: African/African-American, 0.004%; no homozygotes.

Submission:

CeGaT Center for Human Genetics Tuebingen
Classification: Likely benign. Last evaluated: 2025-10-01. Review status: criteria provided, single submitter. Criteria: CeGaT Center For Human Genetics Tuebingen Variant Classification Criteria Version 2. Collection method: clinical testing. Allele origin: germline. Affected: yes. Observed: 1 variant allele.
Comment: RHBG: BP4, BP7